The following is an entry in ClinVar:

NM_000051.4(ATM):c.6846T>C (p.Asn2282=)

Genes: ATM (ATM serine/threonine kinase; plus strand), C11orf65 (chromosome 11 open reading frame 65; minus strand). Cytogenetic location: 11q22.3.
Variant type: single nucleotide variant.
Coding change: c.6846T>C on transcript NM_000051.4 (MANE Select); coding-DNA position 6846, T replaced by C.
Protein change: p.Asn2282=; no amino-acid change (asparagine 2282 retained).
Molecular consequence: synonymous variant. On other transcripts: intron variant (2).
Genome position (GRCh38, 1-based): chr11:108,326,096, T>C. VCF-style: chr11-108326096-T-C. GRCh37 (hg19) VCF-style: chr11-108196823-T-C.
Other names: c.6846T>C, p.Asn2282= (NM_001351834.2); c.641-17025A>G (NM_001330368.2); c.*38+9124A>G (NM_001351110.2).
Identifiers: ClinVar variation 185894 (VCV000185894.19), dbSNP rs541718119, ClinGen allele CA193281.

ClinVar aggregate classification (germline): Benign/Likely benign. Review status: criteria provided, multiple submitters, no conflicts (2 of 4 stars). 5 submissions from 5 submitters: Benign (1); Likely benign (4). Last evaluated 2025-12-10.

Conditions:
Hereditary cancer-predisposing syndrome. Also called: Hereditary Cancer Syndrome; Tumor predisposition; Neoplastic Syndromes, Hereditary; Hereditary neoplastic syndrome. Identifiers: Orphanet 140162, MedGen C0027672, MeSH D009386, MONDO:0015356.
Familial cancer of breast. Also called: hereditary breast carcinoma; BREAST CANCER, FAMILIAL; Hereditary breast cancer. Identifiers: Orphanet 227535, MedGen C0346153, MONDO:0016419, OMIM 114480. Disease mechanism: loss of function.
Ataxia-telangiectasia syndrome (AT). Also called: ATAXIA-TELANGIECTASIA, COMPLEMENTATION GROUP A; ATAXIA-TELANGIECTASIA, FRESNO VARIANT; Ataxia-telangiectasia; Ataxia-telangiectasia, complementation group E; Cerebello-oculocutaneous telangiectasia; Immunodeficiency with ataxia telangiectasia. Identifiers: Orphanet 100, MedGen C0004135, MONDO:0008840, OMIM 208900.

Allele frequency attached by ClinVar (database versions not stated): gnomAD 0.00001; gnomAD exomes below 0.00001; ExAC 0.00001; TOPMed 0.00002; 1000 Genomes Project 30x 0.00016; 1000 Genomes Project 0.00020.
gnomAD v4.1: 2 of 1,614,130 alleles (0.00012%); highest among the groups gnomAD compares: Admixed American, 0.0017%; no homozygotes.

Submissions (5):

Labcorp Genetics (formerly Invitae), Labcorp
Classification: Likely benign for Ataxia-telangiectasia syndrome. Last evaluated: 2025-12-10. Review status: criteria provided, single submitter. Criteria: Invitae Variant Classification Sherloc (09022015). Collection method: clinical testing. Allele origin: germline.

Myriad Genetics, Inc.
Classification: Benign for Familial cancer of breast. Last evaluated: 2024-06-12. Review status: criteria provided, single submitter. Criteria: Myriad Autosomal Dominant, Autosomal Recessive and X-Linked Classification Criteria (2023). Collection method: clinical testing. Allele origin: unknown.
Comment: This variant is considered benign. This variant is a silent/synonymous amino acid change and it is not expected to impact splicing.

Women's Health and Genetics/Laboratory Corporation of America, LabCorp
Classification: Likely benign. Last evaluated: 2022-05-09. Review status: criteria provided, single submitter. Criteria: LabCorp Variant Classification Summary - May 2015. Collection method: clinical testing. Allele origin: germline.

Ambry Genetics
Classification: Likely benign for Hereditary cancer-predisposing syndrome. Last evaluated: 2014-07-25. Review status: criteria provided, single submitter. Criteria: Ambry Variant Classification Scheme 2023. Collection method: clinical testing. Allele origin: germline.

Breakthrough Genomics
Classification: Likely benign. Review status: criteria provided, single submitter. Criteria: ACMG Guidelines, 2015. Collection method: not provided. Allele origin: germline. Inheritance: Autosomal recessive inheritance. Affected: yes.